The following is an entry in ClinVar:

NM_001146197.3(LRTM3):c.11845T>C (p.Leu3949=)

Gene: LRTM3 (leucine rich repeat transmembrane protein 3; minus strand). Cytogenetic location: 13q33.1.
Variant type: single nucleotide variant.
Coding change: c.11845T>C on transcript NM_001146197.3 (MANE Select); coding-DNA position 11845, T replaced by C.
Protein change: p.Leu3949=; no amino-acid change (leucine 3949 retained).
Molecular consequence: synonymous variant.
Genome position (GRCh38, 1-based): chr13:102,738,852, A>G on the plus strand (T>C on the coding strand, the complement: LRTM3 is on the minus strand). VCF-style: chr13-102738852-A-G. GRCh37 (hg19) VCF-style: chr13-103391202-A-G.
Identifiers: ClinVar variation 2643907 (VCV002643907.24), dbSNP rs371257379, ClinGen allele CA7039240.

ClinVar aggregate classification (germline): Likely benign (1 of 4 stars; one submission).

Allele frequency attached by ClinVar (database versions not stated): 1000 Genomes Project 30x 0.00016; 1000 Genomes Project 0.00020; TOPMed 0.00036; ExAC 0.00046; gnomAD 0.00057; gnomAD exomes 0.00078; ESP Exome Variant Server 0.00088.
gnomAD v4.1: 1,159 of 1,550,504 alleles (0.075%); highest among the groups gnomAD compares: Non-Finnish European, 0.087%; 3 homozygotes.

Submission:

CeGaT Center for Human Genetics Tuebingen
Classification: Likely benign. Last evaluated: 2023-03-01. Review status: criteria provided, single submitter. Criteria: CeGaT Center For Human Genetics Tuebingen Variant Classification Criteria Version 2. Collection method: clinical testing. Allele origin: germline. Affected: yes. Observed: 1 variant allele.
Comment: LRTM3: BP4, BP7